The following is an entry in ClinVar:

NM_022436.3(ABCG5):c.621G>A (p.Leu207=)

Genes: ABCG5 (ATP binding cassette subfamily G member 5; minus strand), DYNC2LI1 (dynein cytoplasmic 2 light intermediate chain 1; plus strand). Cytogenetic location: 2p21.
Variant type: single nucleotide variant.
Coding change: c.621G>A on transcript NM_022436.3 (MANE Select); coding-DNA position 621, G replaced by A.
Protein change: p.Leu207=; no amino-acid change (leucine 207 retained).
Molecular consequence: synonymous variant. On other transcripts: 3 prime UTR variant (2).
Genome position (GRCh38, 1-based): chr2:43,827,996, C>T on the plus strand (G>A on the coding strand, the complement: ABCG5 is on the minus strand). VCF-style: chr2-43827996-C-T. GRCh37 (hg19) VCF-style: chr2-44055135-C-T.
Other names: c.*626C>T (NM_001348912.2, NM_001348913.2).
Identifiers: ClinVar variation 2564006 (VCV002564006.3), dbSNP rs146336941, ClinGen allele CA1636589.

ClinVar aggregate classification (germline): Likely benign. Review status: criteria provided, multiple submitters, no conflicts (2 of 4 stars). 2 submissions from 2 submitters: Likely benign (2). Last evaluated 2025-12-04.

Conditions:
Cardiovascular phenotype. Identifiers: MedGen CN230736.
ABCG5-related disorder. Also called: ABCG5-related condition.

Allele frequency attached by ClinVar (database versions not stated): gnomAD 0.00001; ExAC 0.00002; ESP Exome Variant Server 0.00008.
gnomAD v4.1: 4 of 1,613,966 alleles (0.00025%); highest among the groups gnomAD compares: African/African-American, 0.0027%; no homozygotes.

Submissions (2):

PreventionGenetics, part of Exact Sciences
Classification: Likely benign for ABCG5-related condition. Last evaluated: 2025-12-04. Review status: criteria provided, single submitter. Criteria: ACMG Guidelines, 2015. Collection method: clinical testing. Allele origin: germline.
Comment: This variant is classified as likely benign based on ACMG/AMP sequence variant interpretation guidelines (Richards et al. 2015 PMID: 25741868, with internal and published modifications).

Ambry Genetics
Classification: Likely benign for Cardiovascular phenotype. Last evaluated: 2023-04-09. Review status: criteria provided, single submitter. Criteria: Ambry Variant Classification Scheme 2023. Collection method: clinical testing. Allele origin: germline.